The following is an entry in ClinVar:

NM_206937.2(LIG4):c.-101-8C>A

Gene: LIG4 (DNA ligase 4; minus strand). Cytogenetic location: 13q33.3.
Variant type: single nucleotide variant.
Coding change: c.-101-8C>A on transcript NM_206937.2 (MANE Select); 8 bases into the intron before 101 bases upstream of the start codon, C replaced by A.
Molecular consequence: intron variant. On other transcripts: 5 prime UTR variant (5), missense variant (1).
Genome position (GRCh38, 1-based): chr13:108,214,618, G>T on the plus strand (C>A on the coding strand, the complement: LIG4 is on the minus strand). VCF-style: chr13-108214618-G-T. GRCh37 (hg19) VCF-style: chr13-108866966-G-T.
Other names: c.-85C>A (NM_001352598.2); c.-109C>A (NM_001352599.2, NM_001352601.2, NM_001379095.1 and 1 more transcripts); c.8C>A, p.Thr3Asn (NM_001352604.2); c.-28-3322C>A (NM_001098268.2); c.-101-8C>A (NM_001352600.2, NM_001352602.2, NM_001352603.1); c.-222-8C>A (NM_001330595.2); short protein forms T3N.
Identifiers: ClinVar variation 4882922 (VCV004882922.2).

ClinVar aggregate classification (germline): Uncertain significance (1 of 4 stars; one submission).

Submission:

Dasa
Classification: Uncertain significance. Last evaluated: 2024-12-20. Review status: criteria provided, single submitter. Criteria: DASA Assertion Criteria. Collection method: clinical testing. Allele origin: germline.
Comment: NM_001352604.2(LIG4):c.8C>A (p.Thr3Asn) is a missense variant that results in the substitution of threonine with asparagine. This variant is rare in population databases. The currently available literature and clinical evidence are not sufficient to establish a definitive association between this variant and the reported condition. Therefore, this variant is classified as a variant of uncertain significance.